The following is an entry in ClinVar:

ClinVar aggregate classification (germline): Uncertain significance (1 of 4 stars; one submission).

Conditions:
Inborn genetic diseases. Identifiers: MedGen C0950123, MeSH D030342.

gnomAD v4.1: 2 of 1,610,744 alleles (0.00012%); highest among the groups gnomAD compares: Non-Finnish European, 0.00017%; no homozygotes.

Submission:

Ambry Genetics
Classification: Uncertain significance for Inborn genetic diseases. Last evaluated: 2025-07-15. Review status: criteria provided, single submitter. Criteria: Ambry Variant Classification Scheme 2023. Collection method: clinical testing. Allele origin: germline.
Comment: The p.A363G variant (also known as c.1088C>G), located in coding exon 9 of the KDM1A gene, results from a C to G substitution at nucleotide position 1088. The alanine at codon 363 is replaced by glycine, an amino acid with similar properties. This amino acid position is conserved. In addition, the in silico prediction for this alteration is inconclusive. Based on the available evidence, the clinical significance of this variant remains unclear.

NM_001009999.3(KDM1A):c.1088C>G (p.Ala363Gly)

Gene: KDM1A (lysine demethylase 1A; plus strand). Cytogenetic location: 1p36.12.
Variant type: single nucleotide variant.
Coding change: c.1088C>G on transcript NM_001009999.3 (MANE Select); coding-DNA position 1088, C replaced by G.
Protein change: p.Ala363Gly; replaces alanine 363 with glycine.
Molecular consequence: missense variant.
Genome position (GRCh38, 1-based): chr1:23,059,088, C>G. VCF-style: chr1-23059088-C-G. GRCh37 (hg19) VCF-style: chr1-23385581-C-G.
Other names: c.1028C>G, p.Ala343Gly (NM_001363654.2, NM_001410763.1, NM_015013.4); c.1088C>G, p.Ala363Gly (NM_001410762.1); short protein forms A363G, A343G.
Identifiers: ClinVar variation 4091064 (VCV004091064.1).